The following is an entry in ClinVar:

ClinVar aggregate classification (germline): Likely benign (0 of 4 stars; one submission).

Conditions:
PPARGC1A-related disorder. Also called: PPARGC1A-related condition.

gnomAD v4.1: 267 of 1,610,488 alleles (0.017%); highest among the groups gnomAD compares: Middle Eastern, 0.082%; no homozygotes.

Submission:

PreventionGenetics, part of Exact Sciences
Classification: Likely benign for PPARGC1A-related condition. Last evaluated: 2019-08-09. Review status: no assertion criteria provided. Collection method: clinical testing. Allele origin: germline.
Comment: This variant is classified as likely benign based on ACMG/AMP sequence variant interpretation guidelines (Richards et al. 2015 PMID: 25741868, with internal and published modifications).

NM_013261.5(PPARGC1A):c.803+8T>C

Gene: PPARGC1A (PPARG coactivator 1 alpha; minus strand). Cytogenetic location: 4p15.2.
Variant type: single nucleotide variant.
Coding change: c.803+8T>C on transcript NM_013261.5 (MANE Select); 8 bases into the intron after coding-DNA position 803, T replaced by C.
Molecular consequence: intron variant.
Genome position (GRCh38, 1-based): chr4:23,824,455, A>G on the plus strand (T>C on the coding strand, the complement: PPARGC1A is on the minus strand). VCF-style: chr4-23824455-A-G. GRCh37 (hg19) VCF-style: chr4-23826078-A-G.
Other names: c.818+8T>C (NM_001354827.2, NM_001354825.2, NM_001330751.2); c.767+8T>C (NM_001330752.2); c.422+8T>C (NM_001354826.2, NM_001330753.2).
Identifiers: ClinVar variation 3034797 (VCV003034797.2), dbSNP rs368357182, ClinGen allele CA2875420.